The following is an entry in ClinVar:

ClinVar aggregate classification (germline): Pathogenic/Likely pathogenic. Review status: criteria provided, multiple submitters, no conflicts (2 of 4 stars). 3 submissions from 3 submitters: Pathogenic (1); Likely pathogenic (2). Last evaluated 2026-03-05.

Conditions:
Hereditary spastic paraplegia 4. Also called: Spastic paraplegia 4, autosomal dominant; Familial spastic paraplegia autosomal dominant 2; Spastic Paraplegia 4. Identifiers: Orphanet 100985, MedGen C1866855, MONDO:0008438, OMIM 182601.

Allele frequency attached by ClinVar (database versions not stated): gnomAD exomes below 0.00001.
gnomAD v4.1: 1 of 1,612,492 alleles (0.000062%); no homozygotes.

Submissions (3):

Mendelics
Classification: Pathogenic for Hereditary spastic paraplegia 4. Last evaluated: 2026-03-05. Review status: criteria provided, single submitter. Criteria: ACMG Guidelines, 2015. Collection method: clinical testing. Allele origin: unknown.
Comment: Likely pathogenic/Pathogenic according to ACMG criteria.

3billion
Classification: Likely pathogenic for Hereditary spastic paraplegia 4. Last evaluated: 2024-11-27. Review status: criteria provided, single submitter. Criteria: ACMG Guidelines, 2015. Collection method: clinical testing. Allele origin: germline. Affected: yes.
Comment: The variant is observed at an extremely low frequency in the gnomAD v4.1.0 dataset (total allele frequency: <0.001%). Predicted Consequence/Location: Missense variant In silico tool predictions suggest damaging effect of the variant on gene or gene product [REVEL: 0.95 (>=0.6, sensitivity 0.68 and specificity 0.92); 3Cnet: 0.99 (>=0.6, sensitivity 0.72 and precision 0.9)]. The same nucleotide change resulting in the same amino acid change has been previously reported to be associated with SPAST-related disorder (ClinVar ID: VCV002151928 /PMID: 29934652). The variant has been observed in at least two similarly affected unrelated individuals (ClinVar ID: SCV003460721 / PMID: 29934652). Therefore, this variant is classified as Likely pathogenic according to the recommendation of ACMG/AMP guideline.

Labcorp Genetics (formerly Invitae), Labcorp
Classification: Likely pathogenic for Hereditary spastic paraplegia 4. Last evaluated: 2022-01-02. Review status: criteria provided, single submitter. Criteria: Invitae Variant Classification Sherloc (09022015). Collection method: clinical testing. Allele origin: germline.
Comment: In summary, the currently available evidence indicates that the variant is pathogenic, but additional data are needed to prove that conclusively. Therefore, this variant has been classified as Likely Pathogenic. Advanced modeling of protein sequence and biophysical properties (such as structural, functional, and spatial information, amino acid conservation, physicochemical variation, residue mobility, and thermodynamic stability) performed at Invitae indicates that this missense variant is expected to disrupt SPAST protein function. This missense change has been observed in individuals with clinical features of hereditary spastic paraplegia (PMID: 29934652; Invitae). This variant is not present in population databases (gnomAD no frequency). This sequence change replaces serine, which is neutral and polar, with leucine, which is neutral and non-polar, at codon 545 of the SPAST protein (p.Ser545Leu).

Literature cited by the submitters: PubMed 29934652 (cited by 3billion and Labcorp Genetics (formerly Invitae), Labcorp).

NM_014946.4(SPAST):c.1634C>T (p.Ser545Leu)

Gene: SPAST (spastin; plus strand). Cytogenetic location: 2p22.3.
Variant type: single nucleotide variant.
Coding change: c.1634C>T on transcript NM_014946.4 (MANE Select); coding-DNA position 1634, C replaced by T.
Protein change: p.Ser545Leu; replaces serine 545 with leucine.
Molecular consequence: missense variant. On other transcripts: intron variant (1).
Genome position (GRCh38, 1-based): chr2:32,144,954, C>T. VCF-style: chr2-32144954-C-T. GRCh37 (hg19) VCF-style: chr2-32370023-C-T.
Other names: c.1631C>T, p.Ser544Leu (NM_001363823.2); c.1535C>T, p.Ser512Leu (NM_001363875.2); c.1538C>T, p.Ser513Leu (NM_199436.2); c.1520+1539C>T (NM_001377959.1); short protein forms S512L, S545L, S544L, S513L.
Identifiers: ClinVar variation 2151928 (VCV002151928.6), dbSNP rs869312949, ClinGen allele CA346504190.